The following is an entry in ClinVar:

NM_001199397.3(NEK1):c.3800A>G (p.Tyr1267Cys)

Gene: NEK1 (NIMA related kinase 1; minus strand). Cytogenetic location: 4q33.
Variant type: single nucleotide variant.
Coding change: c.3800A>G on transcript NM_001199397.3 (MANE Select); coding-DNA position 3800, A replaced by G.
Protein change: p.Tyr1267Cys; replaces tyrosine 1267 with cysteine.
Molecular consequence: missense variant. On other transcripts: non-coding transcript variant (1).
Genome position (GRCh38, 1-based): chr4:169,400,272, T>C on the plus strand (A>G on the coding strand, the complement: NEK1 is on the minus strand). VCF-style: chr4-169400272-T-C. GRCh37 (hg19) VCF-style: chr4-170321423-T-C.
Other names: c.3668A>G, p.Tyr1223Cys (NM_001199398.3); c.3509A>G, p.Tyr1170Cys (NM_001199399.3); c.3584A>G, p.Tyr1195Cys (NM_001199400.3); c.3800A>G, p.Tyr1267Cys (NM_001374418.1); c.3716A>G, p.Tyr1239Cys (NM_001374419.1, NM_012224.4); c.3665A>G, p.Tyr1222Cys (NM_001374420.1); c.3317A>G, p.Tyr1106Cys (NM_001374421.1); short protein forms Y1222C, Y1267C, Y1106C, Y1195C, Y1223C, Y1239C, Y1170C.
Identifiers: ClinVar variation 3641576 (VCV003641576.2).
Genomic context (GRCh38, chr4:169,400,272, plus strand): 5'-GAGGAAATCTTACCTTCTTGGTAGGCTCCATCTGCCATGACTAAATGAAGAATCTTGGCA[T>C]AAAGATGCTGATGTTCATTTCCCAAAATATTTTGAACTATTTTTGAACAAATTTCAATAT-3'
Protein context (NP_001186326.1, residues 1257-1277): NILGNEHQHL[Tyr1267Cys]AKILHLVMAD

ClinVar aggregate classification (germline): Uncertain significance (1 of 4 stars; one submission).

Conditions:
Short-rib thoracic dysplasia 6 with or without polydactyly (SRTD6). Also called: POLYDACTYLY WITH NEONATAL CHONDRODYSTROPHY, TYPE II; Majewski Syndrome; SHORT RIB-POLYDACTYLY SYNDROME, TYPE IIA; SHORT-RIB THORACIC DYSPLASIA 6 WITH POLYDACTYLY; SHORT-RIB THORACIC DYSPLASIA 6 WITHOUT POLYDACTYLY. Identifiers: MedGen C0024507, MONDO:0009894, OMIM 263520.

Submission:

Labcorp Genetics (formerly Invitae), Labcorp
Classification: Uncertain significance for Short-rib thoracic dysplasia 6 with or without polydactyly. Last evaluated: 2024-02-17. Review status: criteria provided, single submitter. Criteria: Invitae Variant Classification Sherloc (09022015). Collection method: clinical testing. Allele origin: germline.
Comment: This sequence change replaces tyrosine, which is neutral and polar, with cysteine, which is neutral and slightly polar, at codon 1239 of the NEK1 protein (p.Tyr1239Cys). This variant is not present in population databases (gnomAD no frequency). This variant has not been reported in the literature in individuals affected with NEK1-related conditions. Advanced modeling of protein sequence and biophysical properties (such as structural, functional, and spatial information, amino acid conservation, physicochemical variation, residue mobility, and thermodynamic stability) has been performed at Invitae for this missense variant, however the output from this modeling did not meet the statistical confidence thresholds required to predict the impact of this variant on NEK1 protein function. In summary, the available evidence is currently insufficient to determine the role of this variant in disease. Therefore, it has been classified as a Variant of Uncertain Significance.